The following is an entry in ClinVar:

NM_015450.3(POT1):c.128A>G (p.Tyr43Cys)

Gene: POT1 (protection of telomeres 1; minus strand). Cytogenetic location: 7q31.33.
Variant type: single nucleotide variant.
Coding change: c.128A>G on transcript NM_015450.3 (MANE Select); coding-DNA position 128, A replaced by G.
Protein change: p.Tyr43Cys; replaces tyrosine 43 with cysteine.
Molecular consequence: missense variant. On other transcripts: non-coding transcript variant (3), intron variant (1).
Genome position (GRCh38, 1-based): chr7:124,871,038, T>C on the plus strand (A>G on the coding strand, the complement: POT1 is on the minus strand). VCF-style: chr7-124871038-T-C. GRCh37 (hg19) VCF-style: chr7-124511092-T-C.
Other names: c.-138-7398A>G (NM_001042594.2); short protein forms Y43C.
Identifiers: ClinVar variation 818813 (VCV000818813.12), dbSNP rs1584777861, ClinGen allele CA369061731.

ClinVar aggregate classification (germline): Uncertain significance. Review status: criteria provided, multiple submitters, no conflicts (2 of 4 stars). 3 submissions from 3 submitters: Uncertain significance (3). Last evaluated 2025-07-30.

Conditions:
Tumor predisposition syndrome 3 (TPDS3). Also called: Glioma susceptibility 9; LONG TELOMERE SYNDROME, POT1-RELATED; POT1 Tumor Predisposition; Melanoma, cutaneous malignant, susceptibility to, 10. Identifiers: Orphanet 618, MedGen C4014476, MONDO:0014368, OMIM 615848.
Hereditary cancer-predisposing syndrome. Also called: Tumor predisposition; Hereditary Cancer Syndrome; Hereditary neoplastic syndrome; Neoplastic Syndromes, Hereditary. Identifiers: Orphanet 140162, MedGen C0027672, MeSH D009386, MONDO:0015356.

Submissions (3):

Labcorp Genetics (formerly Invitae), Labcorp
Classification: Uncertain significance for Tumor predisposition syndrome 3. Last evaluated: 2025-07-30. Review status: criteria provided, single submitter. Criteria: Invitae Variant Classification Sherloc (09022015). Collection method: clinical testing. Allele origin: germline.
Comment: This sequence change replaces tyrosine, which is neutral and polar, with cysteine, which is neutral and slightly polar, at codon 43 of the POT1 protein (p.Tyr43Cys). This variant is not present in population databases (gnomAD no frequency). This variant has not been reported in the literature in individuals affected with POT1-related conditions. ClinVar contains an entry for this variant (Variation ID: 818813). Invitae Evidence Modeling of protein sequence and biophysical properties (such as structural, functional, and spatial information, amino acid conservation, physicochemical variation, residue mobility, and thermodynamic stability) indicates that this missense variant is not expected to disrupt POT1 protein function with a negative predictive value of 80%. In summary, the available evidence is currently insufficient to determine the role of this variant in disease. Therefore, it has been classified as a Variant of Uncertain Significance.

St. Jude Molecular Pathology, St. Jude Children's Research Hospital
Classification: Uncertain significance for Tumor predisposition syndrome 3. Last evaluated: 2025-02-05. Review status: criteria provided, single submitter. Criteria: St. Jude Assertion Criteria 2020. Collection method: clinical testing. Allele origin: germline.
Comment: The POT1 c.128A>G (p.Tyr43Cys) missense change is absent in gnomAD v2.1.1. The in silico tool REVEL is inconclusive about a pathogenic or benign effect of this variant on protein function, and to our knowledge functional studies have not been performed. To our knowledge, this variant has not been reported as pathogenic in individuals with POT1-associated conditions. In summary, the evidence currently available is insufficient to determine the clinical significance of this variant. It has therefore been classified as of uncertain significance.

Ambry Genetics
Classification: Uncertain significance for Hereditary cancer-predisposing syndrome. Last evaluated: 2024-02-14. Review status: criteria provided, single submitter. Criteria: Ambry Variant Classification Scheme 2023. Collection method: clinical testing. Allele origin: germline.
Comment: The p.Y43C variant (also known as c.128A>G), located in coding exon 3 of the POT1 gene, results from an A to G substitution at nucleotide position 128. The tyrosine at codon 43 is replaced by cysteine, an amino acid with highly dissimilar properties. This amino acid position is highly conserved in available vertebrate species. In addition, this alteration is predicted to be deleterious by in silico analysis. Since supporting evidence is limited at this time, the clinical significance of this alteration remains unclear.